The following is an entry in ClinVar:

ClinVar aggregate classification (germline): Benign (1 of 4 stars; one submission).

Conditions:
Familial cancer of breast. Also called: BREAST CANCER, FAMILIAL; Hereditary breast cancer; hereditary breast carcinoma. Identifiers: Orphanet 227535, MedGen C0346153, MONDO:0016419, OMIM 114480. Disease mechanism: loss of function.

Submission:

Myriad Genetics, Inc.
Classification: Benign for Familial cancer of breast. Last evaluated: 2024-05-14. Review status: criteria provided, single submitter. Criteria: Myriad Autosomal Dominant, Autosomal Recessive and X-Linked Classification Criteria (2023). Collection method: clinical testing. Allele origin: unknown.
Comment: This variant is considered benign. This variant is a silent/synonymous amino acid change and it is not expected to impact splicing.

NM_000051.4(ATM):c.3567T>A (p.Leu1189=)

Gene: ATM (ATM serine/threonine kinase; plus strand). Cytogenetic location: 11q22.3.
Variant type: single nucleotide variant.
Coding change: c.3567T>A on transcript NM_000051.4 (MANE Select); coding-DNA position 3567, T replaced by A.
Protein change: p.Leu1189=; no amino-acid change (leucine 1189 retained).
Molecular consequence: synonymous variant.
Genome position (GRCh38, 1-based): chr11:108,281,159, T>A. VCF-style: chr11-108281159-T-A. GRCh37 (hg19) VCF-style: chr11-108151886-T-A.
Other names: c.3567T>A, p.Leu1189= (NM_001351834.2).
Identifiers: ClinVar variation 3254023 (VCV003254023.1), dbSNP rs2135670334.
Genomic context (GRCh38, chr11:108,281,159, plus strand): 5'-AAAACAGGCTTTGTTTGCCCTGTGTAAATCTGTGAAAGAGAATGGATTAGAACCTCACCT[T>A]GTGAAAAAGGTATATATGGATGAGTATTTTATTAGAAGCTTCCTTAGGTCACTGTGAAAT-3'
Protein context (NP_000042.3, residues 1179-1199): SVKENGLEPH[Leu1189=]VKKVLEKVSE